The following is an entry in ClinVar:

ClinVar aggregate classification (germline): Uncertain significance (1 of 4 stars; one submission).

Submission:

GeneDx
Classification: Uncertain significance. Last evaluated: 2022-02-23. Review status: criteria provided, single submitter. Criteria: GeneDx Variant Classification Process June 2021. Collection method: clinical testing. Allele origin: germline. Affected: yes.
Comment: Not observed at significant frequency in large population cohorts (gnomAD); In silico analysis supports that this missense variant does not alter protein structure/function; Has not been previously published as pathogenic or benign to our knowledge

NM_001368397.1(FRMPD4):c.3682G>C (p.Gly1228Arg)

Gene: FRMPD4 (FERM and PDZ domain containing 4; plus strand). Cytogenetic location: Xp22.2.
Variant type: single nucleotide variant.
Coding change: c.3682G>C on transcript NM_001368397.1 (MANE Select); coding-DNA position 3682, G replaced by C.
Protein change: p.Gly1228Arg; replaces glycine 1228 with arginine.
Molecular consequence: missense variant.
Genome position (GRCh38, 1-based): chrX:12,718,508, G>C. VCF-style: chrX-12718508-G-C. GRCh37 (hg19) VCF-style: chrX-12736627-G-C.
Other names: c.3793G>C, p.Gly1265Arg (NM_001368395.3, NM_001368398.3); c.3688G>C, p.Gly1230Arg (NM_001368396.3); c.3673G>C, p.Gly1225Arg (NM_001368399.3); c.3562G>C, p.Gly1188Arg (NM_001368400.3); c.3658G>C, p.Gly1220Arg (NM_001368401.1, NM_001368402.3); c.3682G>C, p.Gly1228Arg (NM_014728.3); short protein forms G1188R, G1220R, G1225R, G1228R, G1230R, G1265R.
Identifiers: ClinVar variation 1703291 (VCV001703291.2), dbSNP rs140005767, ClinGen allele CA412321807.
Genomic context (GRCh38, chrX:12,718,508, plus strand): 5'-TTTTCTCTGCAGAGCTCCCAAGGCTCTTCAGTGGATGCAGGCTGTGGCACAGGCAGCAGT[G>C]GCAGTGCCTGTGCCACACCCGTGGAGTCGCCGCTCTGCCCCTCCCTGGGGAAGCACTTGA-3'
Protein context (NP_001355326.1, residues 1218-1238): VDAGCGTGSS[Gly1228Arg]SACATPVESP